The following is an entry in ClinVar:

ClinVar aggregate classification (germline): Pathogenic/Likely pathogenic. Review status: criteria provided, multiple submitters, no conflicts (2 of 4 stars). 3 submissions from 3 submitters: Pathogenic (2); Likely pathogenic (1). Last evaluated 2024-06-28.

Conditions:
Primary ciliary dyskinesia. Also called: Ciliary dyskinesia. Identifiers: Orphanet 244, MedGen C0008780, MONDO:0016575, HP:0012265.

Submissions (3):

Natera, Inc.
Classification: Likely pathogenic for Primary ciliary dyskinesia. Last evaluated: 2024-06-28. Review status: criteria provided, single submitter. Criteria: Natera Variant Classification Schema (03/2026). Collection method: clinical testing. Allele origin: germline.
Comment: The c.4702delC variant in DNAH5 is a frameshift variant predicted to shift the reading frame beginning at codon 1568 and leads to a stop codon 6 codons downstream. This variant is expected to result in nonsense mediated decay, truncation, or a dysfunctional protein product. This variant is rare in the general population with a frequency below the threshold expected for the associated phenotype(s). Given the available evidence, this variant is classified as Likely Pathogenic.

Labcorp Genetics (formerly Invitae), Labcorp
Classification: Pathogenic for Primary ciliary dyskinesia. Last evaluated: 2023-07-03. Review status: criteria provided, single submitter. Criteria: Invitae Variant Classification Sherloc (09022015). Collection method: clinical testing. Allele origin: germline.
Comment: This sequence change creates a premature translational stop signal (p.Arg1568Valfs*6) in the DNAH5 gene. It is expected to result in an absent or disrupted protein product. Loss-of-function variants in DNAH5 are known to be pathogenic (PMID: 11788826, 16627867). This variant is not present in population databases (gnomAD no frequency). This variant has not been reported in the literature in individuals affected with DNAH5-related conditions. ClinVar contains an entry for this variant (Variation ID: 525285). For these reasons, this variant has been classified as Pathogenic.

UNC Molecular Genetics  Laboratory, University of North Carolina at Chapel Hill
Classification: Pathogenic for Primary ciliary dyskinesia. Last evaluated: 2022-03-15. Review status: criteria provided, single submitter. Criteria: ACMG Guidelines, 2015. Collection method: clinical testing. Allele origin: germline. Observed: 2 compound heterozygotes.

Literature cited by the submitters: PubMed 11788826 (cited by Labcorp Genetics (formerly Invitae), Labcorp); PubMed 16627867 (cited by Labcorp Genetics (formerly Invitae), Labcorp).

NM_001369.3(DNAH5):c.4702del (p.Arg1568fs)

Genes: DNAH5 (dynein axonemal heavy chain 5; minus strand), DNAH5-AS1 (DNAH5 antisense RNA 1; plus strand). Cytogenetic location: 5p15.2.
Variant type: Deletion.
Coding change: c.4702del on transcript NM_001369.3 (MANE Select); coding-DNA position 4702, one base deleted (C; older notation c.4702delC).
Protein change: p.Arg1568fs; shifts the reading frame from arginine 1568.
Molecular consequence: frameshift variant.
Genome position (GRCh38, 1-based): chr5:13,862,642, G deleted on the plus strand (C on the coding strand, the reverse complement: DNAH5 is on the minus strand); the first of 3 consecutive G bases (chr5:13,862,642-13,862,644); deleting any one gives the same sequence. VCF-style (leftmost placement, unchanged base first): chr5-13862641-CG-C. GRCh37 (hg19) VCF-style: chr5-13862750-CG-C.
Other names: c.4702delC (NM_001369.2); short protein forms R1568fs.
Identifiers: ClinVar variation 525285 (VCV000525285.9), dbSNP rs1554081658, ClinGen allele CA658796503.
Genomic context (GRCh38, chr5:13,862,641, plus strand): 5'-CTGTCCTCCATGTTGGCGATGATTTCCGAGGTACTGTCTCCTCTCAAGAGGAGCTCTCCA[CG>C]GGTTTTAAAGCTGCCGAAGGTGAATGTTTTATTGTCCCATTCATTAATCACTTGCTTCAG-3'